The following is an entry in ClinVar:

NM_001429.4(EP300):c.2302A>G (p.Thr768Ala)

Gene: EP300 (EP300 lysine acetyltransferase; plus strand). Cytogenetic location: 22q13.2.
Variant type: single nucleotide variant.
Coding change: c.2302A>G on transcript NM_001429.4 (MANE Select); coding-DNA position 2302, A replaced by G.
Protein change: p.Thr768Ala; replaces threonine 768 with alanine.
Molecular consequence: missense variant.
Genome position (GRCh38, 1-based): chr22:41,149,098, A>G. VCF-style: chr22-41149098-A-G. GRCh37 (hg19) VCF-style: chr22-41545102-A-G.
Other names: c.2224A>G, p.Thr742Ala (NM_001362843.2); short protein forms T742A, T768A.
Identifiers: ClinVar variation 1983834 (VCV001983834.4), dbSNP rs2145735923, ClinGen allele CA411690672.
Genomic context (GRCh38, chr22:41,149,098, plus strand): 5'-CCTATGGGCTATGGGCCTCGTATGCAACAGCCTTCCAACCAGGGCCAGTTCCTTCCTCAG[A>G]CTCAGTTCCCATCACAGGGAATGAATGTAACAAATATCCCTTTGGCTCCGTCCAGCGGTC-3'
Protein context (NP_001420.2, residues 758-778): PSNQGQFLPQ[Thr768Ala]QFPSQGMNVT

ClinVar aggregate classification (germline): Uncertain significance (1 of 4 stars; one submission).

Conditions:
Rubinstein-Taybi syndrome due to EP300 haploinsufficiency. Also called: EP300-Related Rubinstein-Taybi Syndrome; RUBINSTEIN-TAYBI SYNDROME 2. Identifiers: Orphanet 353284, Orphanet 783, MedGen C3150941, MONDO:0013364, OMIM 613684.

Submission:

Labcorp Genetics (formerly Invitae), Labcorp
Classification: Uncertain significance for Rubinstein-Taybi syndrome due to EP300 haploinsufficiency. Last evaluated: 2022-12-06. Review status: criteria provided, single submitter. Criteria: Invitae Variant Classification Sherloc (09022015). Collection method: clinical testing. Allele origin: germline.
Comment: This sequence change replaces threonine, which is neutral and polar, with alanine, which is neutral and non-polar, at codon 768 of the EP300 protein (p.Thr768Ala). This variant is not present in population databases (gnomAD no frequency). This variant has not been reported in the literature in individuals affected with EP300-related conditions. Advanced modeling of protein sequence and biophysical properties (such as structural, functional, and spatial information, amino acid conservation, physicochemical variation, residue mobility, and thermodynamic stability) performed at Invitae indicates that this missense variant is not expected to disrupt EP300 protein function. In summary, the available evidence is currently insufficient to determine the role of this variant in disease. Therefore, it has been classified as a Variant of Uncertain Significance.